The following is an entry in ClinVar:

NM_003331.5(TYK2):c.1531G>T (p.Asp511Tyr)

Gene: TYK2 (tyrosine kinase 2; minus strand). Cytogenetic location: 19p13.2.
Variant type: single nucleotide variant.
Coding change: c.1531G>T on transcript NM_003331.5 (MANE Select); coding-DNA position 1531, G replaced by T.
Protein change: p.Asp511Tyr; replaces aspartic acid 511 with tyrosine.
Molecular consequence: missense variant.
Genome position (GRCh38, 1-based): chr19:10,362,402, C>A on the plus strand (G>T on the coding strand, the complement: TYK2 is on the minus strand). VCF-style: chr19-10362402-C-A. GRCh37 (hg19) VCF-style: chr19-10473078-C-A.
Other names: c.1531G>T (LRG_121t1); short protein forms D511Y.
Identifiers: ClinVar variation 580099 (VCV000580099.8), dbSNP rs1568334900, ClinGen allele CA404007389.

ClinVar aggregate classification (germline): Uncertain significance (1 of 4 stars; one submission).

Conditions:
Immunodeficiency 35 (IMD35). Also called: HIES WITH ATYPICAL MYCOBACTERIOSIS, AUTOSOMAL RECESSIVE; HYPER-IgE SYNDROME WITH ATYPICAL MYCOBACTERIOSIS, AUTOSOMAL RECESSIVE; Susceptibility to infection due to TYK2 deficiency; TYK2 DEFICIENCY. Identifiers: Orphanet 331226, MedGen C1969086, MONDO:0012682, OMIM 611521.

Submission:

Labcorp Genetics (formerly Invitae), Labcorp
Classification: Uncertain significance for Immunodeficiency 35. Last evaluated: 2024-02-23. Review status: criteria provided, single submitter. Criteria: Invitae Variant Classification Sherloc (09022015). Collection method: clinical testing. Allele origin: germline.
Comment: This sequence change replaces aspartic acid, which is acidic and polar, with tyrosine, which is neutral and polar, at codon 511 of the TYK2 protein (p.Asp511Tyr). This variant is not present in population databases (gnomAD no frequency). This variant has not been reported in the literature in individuals affected with TYK2-related conditions. ClinVar contains an entry for this variant (Variation ID: 580099). Advanced modeling of protein sequence and biophysical properties (such as structural, functional, and spatial information, amino acid conservation, physicochemical variation, residue mobility, and thermodynamic stability) performed at Invitae indicates that this missense variant is not expected to disrupt TYK2 protein function with a negative predictive value of 80%. In summary, the available evidence is currently insufficient to determine the role of this variant in disease. Therefore, it has been classified as a Variant of Uncertain Significance.